The following is an entry in ClinVar:

NC_000015.10:g.89317478T>A

Genes: FANCI (FA complementation group I; plus strand), POLG (DNA polymerase gamma, catalytic subunit; minus strand). Cytogenetic location: 15q26.1.
Variant type: single nucleotide variant.
Molecular consequence: missense variant (on NM_002693.3).
Genome position: GRCh38 VCF-style: chr15-89317478-T-A. GRCh37 (hg19) VCF-style: chr15-89860709-T-A.
Other names: c.3541A>T, p.Ser1181Cys (NM_001126131.2, NM_002693.3); short protein forms S1181C.
Identifiers: ClinVar variation 3907881 (VCV003907881.1).

ClinVar aggregate classification (germline): Uncertain significance (1 of 4 stars; one submission).

Submission:

GeneDx
Classification: Uncertain significance. Last evaluated: 2024-12-26. Review status: criteria provided, single submitter. Criteria: GeneDx Variant Classification Process June 2021. Collection method: clinical testing. Allele origin: germline. Affected: yes.
Comment: Not observed at significant frequency in large population cohorts (gnomAD); Has not been previously published as pathogenic or benign to our knowledge; In silico analysis suggests this variant may impact gene splicing. In the absence of RNA/functional studies, the actual effect of this sequence change is unknown.